The following is an entry in ClinVar:

NM_000059.4(BRCA2):c.5655C>G (p.Cys1885Trp)

Gene: BRCA2 (BRCA2 DNA repair associated; plus strand). Cytogenetic location: 13q13.1.
Variant type: single nucleotide variant.
Coding change: c.5655C>G on transcript NM_000059.4 (MANE Select); coding-DNA position 5655, C replaced by G.
Protein change: p.Cys1885Trp; replaces cysteine 1885 with tryptophan.
Molecular consequence: missense variant.
Genome position (GRCh38, 1-based): chr13:32,340,010, C>G. VCF-style: chr13-32340010-C-G. GRCh37 (hg19) VCF-style: chr13-32914147-C-G.
Other names: c.5655C>G, p.Cys1885Trp (NM_001406719.1, NM_001406720.1); short protein forms C1885W.
Identifiers: ClinVar variation 1748888 (VCV001748888.4), dbSNP rs80358789, ClinGen allele CA387786170.
Genomic context (GRCh38, chr13:32,340,010, plus strand): 5'-ATTTACAGACAGTTTCAGTAAAGTAATTAAGGAAAACAACGAGAATAAATCAAAAATTTG[C>G]CAAACGAAAATTATGGCAGGTTGTTACGAGGCATTGGATGATTCAGAGGATATTCTTCAT-3'
Protein context (NP_000050.3, residues 1875-1895): KENNENKSKI[Cys1885Trp]QTKIMAGCYE

ClinVar aggregate classification (germline): Conflicting classifications of pathogenicity. Review status: criteria provided, conflicting classifications (1 of 4 stars). 2 submissions from 2 submitters: Uncertain significance (1); Likely benign (1). Last evaluated 2023-03-23.

Conditions:
Hereditary cancer-predisposing syndrome. Also called: Hereditary Cancer Syndrome; Hereditary neoplastic syndrome; Neoplastic Syndromes, Hereditary; Tumor predisposition. Identifiers: Orphanet 140162, MedGen C0027672, MeSH D009386, MONDO:0015356.

Submissions (2):

University of Washington Department of Laboratory Medicine, University of Washington
Classification: Likely benign for Hereditary cancer-predisposing syndrome. Last evaluated: 2023-03-23. Review status: criteria provided, single submitter. Criteria: Dines et al. (Genet Med. 2020). Collection method: curation. Allele origin: germline.
Comment: Missense variant in a coldspot region where missense variants are very unlikely to be pathogenic (PMID:31911673).

BRCA2 exon 11 coldspot. Reclassification based on statistical prior probability.

Ambry Genetics
Classification: Uncertain significance for Hereditary cancer-predisposing syndrome. Last evaluated: 2021-09-29. Review status: criteria provided, single submitter. Criteria: Ambry Variant Classification Scheme 2023. Collection method: clinical testing. Allele origin: germline.
Comment: The p.C1885W variant (also known as c.5655C>G), located in coding exon 10 of the BRCA2 gene, results from a C to G substitution at nucleotide position 5655. The cysteine at codon 1885 is replaced by tryptophan, an amino acid with highly dissimilar properties. This amino acid position is not well conserved in available vertebrate species. In addition, the in silico prediction for this alteration is inconclusive. Since supporting evidence is limited at this time, the clinical significance of this alteration remains unclear.